The following is an entry in ClinVar:

NM_152564.5(VPS13B):c.2377C>G (p.Leu793Val)

Gene: VPS13B (vacuolar protein sorting 13 homolog B; plus strand). Cytogenetic location: 8q22.2.
Variant type: single nucleotide variant.
Coding change: c.2377C>G on transcript NM_152564.5 (MANE Select); coding-DNA position 2377, C replaced by G.
Protein change: p.Leu793Val; replaces leucine 793 with valine.
Molecular consequence: missense variant.
Genome position (GRCh38, 1-based): chr8:99,192,919, C>G. VCF-style: chr8-99192919-C-G. GRCh37 (hg19) VCF-style: chr8-100205147-C-G.
Other names: c.2377C>G (NM_017890.3, NM_152564.4); c.2377C>G, p.Leu793Val (NM_015243.3, NM_017890.5); short protein forms L793V.
Identifiers: ClinVar variation 445994 (VCV000445994.16), dbSNP rs141638933, ClinGen allele CA4822895.

ClinVar aggregate classification (germline): Conflicting classifications of pathogenicity. Review status: criteria provided, conflicting classifications (1 of 4 stars). 7 submissions from 7 submitters: Uncertain significance (4); Likely benign (3). Last evaluated 2026-05-05.

Conditions:
VPS13B-related disorder. Also called: VPS13B-related condition.
Inborn genetic diseases. Identifiers: MedGen C0950123, MeSH D030342.
Cohen syndrome (COH1). Also called: PEPPER SYNDROME; Cutis verticis gyrata, retinitis pigmentosa, and sensorineural deafness. Identifiers: Orphanet 193, MedGen C0265223, MONDO:0008999, OMIM 216550.

Allele frequency attached by ClinVar (database versions not stated): gnomAD exomes 0.00001 and 0.00006; ExAC 0.00010; gnomAD 0.00020 and 0.00021; TOPMed 0.00020; ESP Exome Variant Server 0.00046; 1000 Genomes Project 0.00060; 1000 Genomes Project 30x 0.00078.
gnomAD v4.1: 48 of 1,613,466 alleles (0.003%); highest among the groups gnomAD compares: African/African-American, 0.057%; no homozygotes.

Submissions (7):

PreventionGenetics, part of Exact Sciences
Classification: Uncertain significance for VPS13B-related condition. Last evaluated: 2026-05-05. Review status: criteria provided, single submitter. Criteria: ACMG Guidelines, 2015. Collection method: clinical testing. Allele origin: germline.
Comment: The VPS13B c.2377C>G variant is predicted to result in the amino acid substitution p.Leu793Val. To our knowledge, this variant has not been reported in the literature. This variant is reported in 0.060% of alleles in individuals of African descent in gnomAD, which is likely too common for an undocumented cause of disease. Although we suspect that this variant may be benign, at this time, the clinical significance is uncertain due to the absence of conclusive functional and genetic evidence.

Labcorp Genetics (formerly Invitae), Labcorp
Classification: Likely benign for Cohen syndrome. Last evaluated: 2025-12-24. Review status: criteria provided, single submitter. Criteria: Invitae Variant Classification Sherloc (09022015). Collection method: clinical testing. Allele origin: germline.

Ambry Genetics
Classification: Uncertain significance for Inborn genetic diseases. Last evaluated: 2025-08-03. Review status: criteria provided, single submitter. Criteria: Ambry Variant Classification Scheme 2023. Collection method: clinical testing. Allele origin: germline.

GeneDx
Classification: Uncertain significance. Last evaluated: 2025-07-29. Review status: criteria provided, single submitter. Criteria: GeneDx Variant Classification Process June 2021. Collection method: clinical testing. Allele origin: germline. Affected: yes.
Comment: In silico analysis suggests that this missense variant does not alter protein structure/function; Has not been previously published as pathogenic or benign to our knowledge

Blueprint Genetics
Classification: Likely benign. Last evaluated: 2024-04-22. Review status: criteria provided, single submitter. Criteria: ACMG Guidelines, 2015. Collection method: clinical testing. Allele origin: germline.

New York Genome Center
Classification: Uncertain significance for Cohen syndrome. Last evaluated: 2022-07-19. Review status: criteria provided, single submitter. Criteria: NYGC Assertion Criteria 2020. Collection method: clinical testing. Allele origin: germline. Observed: 1 heterozygote.

Center for Pediatric Genomic Medicine, Children's Mercy Hospital and Clinics
Classification: Likely benign. Last evaluated: 2017-05-04. Review status: criteria provided, single submitter. Criteria: ACMG Guidelines, 2015. Collection method: clinical testing. Allele origin: germline.